The following is an entry in ClinVar:

ClinVar aggregate classification (germline): Conflicting classifications of pathogenicity. Review status: criteria provided, conflicting classifications (1 of 4 stars). 2 submissions from 2 submitters: Uncertain significance (1); Likely benign (1). Last evaluated 2025-10-26.

Conditions:
Hypertrophic cardiomyopathy 26. Also called: Cardiomyopathy, familial hypertrophic, 26. Identifiers: Orphanet 75249, MedGen C4310749, MONDO:0014883, OMIM 617047.
Myofibrillar myopathy 5. Also called: Filaminopathy (type); FILAMINOPATHY, AUTOSOMAL DOMINANT. Identifiers: Orphanet 171445, MedGen C1836050, MONDO:0012289, OMIM 609524.
Distal myopathy with posterior leg and anterior hand involvement. Also called: WILLIAMS DISTAL MYOPATHY. Identifiers: Orphanet 63273, MedGen C3279722, MONDO:0013550, OMIM 614065.

Allele frequency attached by ClinVar (database versions not stated): TOPMed below 0.00001; gnomAD 0.00001; ExAC 0.00004.
gnomAD v4.1: 8 of 1,605,200 alleles (0.0005%); highest among the groups gnomAD compares: Admixed American, 0.0034%; no homozygotes.

Submissions (2):

Labcorp Genetics (formerly Invitae), Labcorp
Classification: Likely benign for Distal myopathy with posterior leg and anterior hand involvement; Myofibrillar myopathy 5; Hypertrophic cardiomyopathy 26. Last evaluated: 2025-10-26. Review status: criteria provided, single submitter. Criteria: Invitae Variant Classification Sherloc (09022015). Collection method: clinical testing. Allele origin: germline.

GeneDx
Classification: Uncertain significance. Last evaluated: 2024-03-22. Review status: criteria provided, single submitter. Criteria: GeneDx Variant Classification Process June 2021. Collection method: clinical testing. Allele origin: germline. Affected: yes.
Comment: Not observed at significant frequency in large population cohorts (gnomAD); In silico analysis supports that this missense variant has a deleterious effect on protein structure/function; In silico analysis suggests this variant may impact gene splicing. In the absence of RNA/functional studies, the actual effect of this sequence change is unknown.; Has not been previously published as pathogenic or benign to our knowledge

NM_001458.5(FLNC):c.6829C>T (p.Arg2277Cys)

Genes: FLNC (filamin C; plus strand), FLNC-AS1 (FLNC antisense RNA 1; minus strand). Cytogenetic location: 7q32.1.
Variant type: single nucleotide variant.
Coding change: c.6829C>T on transcript NM_001458.5 (MANE Select); coding-DNA position 6829, C replaced by T.
Protein change: p.Arg2277Cys; replaces arginine 2277 with cysteine.
Molecular consequence: missense variant.
Genome position (GRCh38, 1-based): chr7:128,854,514, C>T. VCF-style: chr7-128854514-C-T. GRCh37 (hg19) VCF-style: chr7-128494568-C-T.
Other names: c.6829C>T (NM_001458.4); c.6730C>T, p.Arg2244Cys (NM_001127487.2); short protein forms R2244C, R2277C.
Identifiers: ClinVar variation 1504624 (VCV001504624.9), dbSNP rs761696270, ClinGen allele CA4476102.